The following is an entry in ClinVar:

ClinVar aggregate classification (germline): Uncertain significance. Review status: criteria provided, multiple submitters, no conflicts (2 of 4 stars). 5 submissions from 5 submitters: Uncertain significance (5). Last evaluated 2026-08-20.

Conditions:
Inborn genetic diseases. Identifiers: MedGen C0950123, MeSH D030342.
Nephronophthisis 9 (NPHP9). Identifiers: Orphanet 655, MedGen C3151188, MONDO:0013444, OMIM 613824.
NEK8-related disorder. Also called: NEK8-related condition.
Renal-hepatic-pancreatic dysplasia 2 (RHPD2). Identifiers: MedGen C3809434, MONDO:0014174, OMIM 615415.

Allele frequency attached by ClinVar (database versions not stated): gnomAD 0.00005 and 0.00006; TOPMed 0.00005; ESP Exome Variant Server 0.00015.
gnomAD v4.1: 60 of 1,614,010 alleles (0.0037%); highest among the groups gnomAD compares: Non-Finnish European, 0.0047%; no homozygotes.

Submissions (5):

PreventionGenetics, part of Exact Sciences
Classification: Uncertain significance for NEK8-related condition. Last evaluated: 2026-08-20. Review status: criteria provided, single submitter. Criteria: ACMG Guidelines, 2015. Collection method: clinical testing. Allele origin: germline.
Comment: The NEK8 c.1992C>G variant is predicted to result in the amino acid substitution p.His664Gln. To our knowledge, this variant has not been reported in the literature. This variant is reported in 0.0080% of alleles in individuals of African descent in gnomAD. At this time, the clinical significance of this variant is uncertain due to the absence of conclusive functional and genetic evidence.

Labcorp Genetics (formerly Invitae), Labcorp
Classification: Uncertain significance for Nephronophthisis 9. Last evaluated: 2024-10-15. Review status: criteria provided, single submitter. Criteria: Invitae Variant Classification Sherloc (09022015). Collection method: clinical testing. Allele origin: germline.
Comment: This sequence change replaces histidine, which is basic and polar, with glutamine, which is neutral and polar, at codon 664 of the NEK8 protein (p.His664Gln). This variant is present in population databases (rs145275797, gnomAD 0.004%). This variant has not been reported in the literature in individuals affected with NEK8-related conditions. ClinVar contains an entry for this variant (Variation ID: 889766). An algorithm developed to predict the effect of missense changes on protein structure and function (PolyPhen-2) suggests that this variant is likely to be tolerated. In summary, the available evidence is currently insufficient to determine the role of this variant in disease. Therefore, it has been classified as a Variant of Uncertain Significance.

Ambry Genetics
Classification: Uncertain significance for Inborn genetic diseases. Last evaluated: 2024-02-05. Review status: criteria provided, single submitter. Criteria: Ambry Variant Classification Scheme 2023. Collection method: clinical testing. Allele origin: germline.

Fulgent Genetics
Classification: Uncertain significance for Nephronophthisis 9; Renal-hepatic-pancreatic dysplasia 2. Last evaluated: 2021-07-19. Review status: criteria provided, single submitter. Criteria: ACMG Guidelines, 2015. Collection method: clinical testing. Allele origin: unknown.

Illumina Laboratory Services, Illumina
Classification: Uncertain significance for Nephronophthisis 9. Last evaluated: 2018-01-13. Review status: criteria provided, single submitter. Criteria: ICSL Variant Classification Criteria 13 December 2019. Collection method: clinical testing. Allele origin: germline.

NM_178170.3(NEK8):c.1992C>G (p.His664Gln)

Gene: NEK8 (NIMA related kinase 8; plus strand). Cytogenetic location: 17q11.2.
Variant type: single nucleotide variant.
Coding change: c.1992C>G on transcript NM_178170.3 (MANE Select); coding-DNA position 1992, C replaced by G.
Protein change: p.His664Gln; replaces histidine 664 with glutamine.
Molecular consequence: missense variant.
Genome position (GRCh38, 1-based): chr17:28,741,513, C>G. VCF-style: chr17-28741513-C-G. GRCh37 (hg19) VCF-style: chr17-27068531-C-G.
Other names: short protein forms H664Q.
Identifiers: ClinVar variation 889766 (VCV000889766.12), dbSNP rs145275797, ClinGen allele CA8467610.